The following is an entry in ClinVar:

NM_000540.3(RYR1):c.6488G>C (p.Arg2163Pro)

Gene: RYR1 (ryanodine receptor 1; plus strand). Cytogenetic location: 19q13.2.
Variant type: single nucleotide variant.
Coding change: c.6488G>C on transcript NM_000540.3 (MANE Select); coding-DNA position 6488, G replaced by C.
Protein change: p.Arg2163Pro; replaces arginine 2163 with proline.
Molecular consequence: missense variant.
Genome position (GRCh38, 1-based): chr19:38,494,565, G>C. VCF-style: chr19-38494565-G-C. GRCh37 (hg19) VCF-style: chr19-38985205-G-C.
Other names: c.6488G>C (NM_000540.2); c.6488G>C, p.Arg2163Pro (NM_001042723.2); short protein forms R2163P.
Identifiers: ClinVar variation 133159 (VCV000133159.6), dbSNP rs118192163, ClinGen allele CA024596.

ClinVar aggregate classification (germline): Likely pathogenic. Review status: reviewed by expert panel (3 of 4 stars). 3 submissions from 3 submitters: Likely pathogenic (1). 2 of the submissions do not count toward it. Last evaluated 2025-08-01.

Conditions:
Malignant hyperthermia, susceptibility to, 1 (MHS1). Also called: RYR1-Related Malignant Hyperthermia Susceptibility; Malignant hyperthermia suceptibility 1; Anesthesia related hyperthermia; Malignant hyperpyrexia; Fulminating hyperpyrexia; Pharmacogenic myopathy. Identifiers: Orphanet 423, MedGen C2930980, MONDO:0007783, OMIM 145600.

gnomAD v4.1: 1 of 1,614,076 alleles (0.000062%); highest among the groups gnomAD compares: Non-Finnish European, 0.000085%; no homozygotes.

Submissions (3):

ClinGen Malignant Hyperthermia Susceptibility Variant Curation Expert Panel, ClinGen
Classification: Likely pathogenic for Malignant hyperthermia, susceptibility to, 1. Last evaluated: 2025-08-01. Review status: reviewed by expert panel. Criteria: ClinGen MHS ACMG Specifications V2. Collection method: curation. Allele origin: germline. Inheritance: Autosomal dominant inheritance.
Comment: This pathogenicity assessment is relevant only for malignant hyperthermia susceptibility (MHS) inherited in an autosomal dominant pattern. Variants in RYR1 can also cause other myopathies inherited in an autosomal dominant pattern or in an autosomal recessive pattern. Some of these disorders may predispose individuals to malignant hyperthermia. RYR1 variants may also contribute to a malignant hyperthermia reaction in combination with other genetic and non-genetic factors and the clinician needs to consider such factors in making management decisions. This sequence variant predicts a substitution of arginine with proline at codon 2163 of the RYR1 protein, p.Arg2163Pro. This variant was not present in a large population database (gnomAD) at the time this variant was interpreted. This variant has been reported in four unrelated individuals who have a personal or family history of a malignant hyperthermia reaction, all of these individuals had a positive in vitro contracture test (IVCT) or caffeine halothane contracture test (CHCT) result (if the proband was unavailable for testing, a positive diagnostic test result in a mutation-positive relative was counted), PS4_Moderate (PMID:10757649, PMID:20681998, PMID:24433488, PMID:31559918). This variant segregates with MHS in five individuals, PP1 (PMID:10757649). No functional studies were identified for this variant. Another variant has been assessed as pathogenic occurs at this codon, p.(Arg2163His), PM5. This variant resides in a region of RYR1 considered to be a hotspot for pathogenic variants that contribute to MHS, use PM1_Supporting to avoid overweighting with PM5 (PMID: 21118704). Another variant has been assessed as pathogenic occurs at this codon, p.(Arg2163His), PM5. A REVEL score >0.85 (0.947) supports a pathogenic status for this variant, PP3_Moderate. This variant has been classified as Likely Pathogenic. Criteria implemented: PS4_Moderate, PM1_Supporting, PM5, PP3_Moderate, PP1.

PreventionGenetics, part of Exact Sciences
Classification: Likely pathogenic. Last evaluated: 2017-10-20. Review status: criteria provided, single submitter. Criteria: ACMG Guidelines, 2015. Collection method: clinical testing. Allele origin: germline. Not counted in ClinVar's aggregate classification.

RYR1 database
No classification provided. Review status: no classification provided. Collection method: not provided. Allele origin: unknown. Not counted in ClinVar's aggregate classification.